The following is an entry in ClinVar:

ClinVar aggregate classification (germline): Conflicting classifications of pathogenicity. Review status: criteria provided, conflicting classifications (1 of 4 stars). 2 submissions from 2 submitters: Uncertain significance (1); Benign (1). Last evaluated 2024-04-21.

Conditions:
Adams-Oliver syndrome 5 (AOS5). Identifiers: Orphanet 974, MedGen C4014970, MONDO:0014459, OMIM 616028.
Familial thoracic aortic aneurysm and aortic dissection (TAAD). Also called: Thoracic aortic aneurysms and dissections. Identifiers: Orphanet 91387, MedGen C4707243, MONDO:0019625.

Allele frequency attached by ClinVar (database versions not stated): ExAC 0.00002; gnomAD 0.00004; TOPMed 0.00005.

Submissions (2):

Ambry Genetics
Classification: Uncertain significance for Familial thoracic aortic aneurysm and aortic dissection. Last evaluated: 2024-04-21. Review status: criteria provided, single submitter. Criteria: Ambry Variant Classification Scheme 2023. Collection method: clinical testing. Allele origin: germline.
Comment: The p.P60T variant (also known as c.178C>A), located in coding exon 3 of the NOTCH1 gene, results from a C to A substitution at nucleotide position 178. The proline at codon 60 is replaced by threonine, an amino acid with highly similar properties. This amino acid position is conserved. In addition, this alteration is predicted to be tolerated by in silico analysis. Based on the available evidence, the clinical significance of this variant remains unclear.

Labcorp Genetics (formerly Invitae), Labcorp
Classification: Benign for Adams-Oliver syndrome 5. Last evaluated: 2023-11-02. Review status: criteria provided, single submitter. Criteria: Invitae Variant Classification Sherloc (09022015). Collection method: clinical testing. Allele origin: germline.

NM_017617.5(NOTCH1):c.178C>A (p.Pro60Thr)

Gene: NOTCH1 (notch receptor 1; minus strand). Cytogenetic location: 9q34.3.
Variant type: single nucleotide variant.
Coding change: c.178C>A on transcript NM_017617.5 (MANE Select); coding-DNA position 178, C replaced by A.
Protein change: p.Pro60Thr; replaces proline 60 with threonine.
Molecular consequence: missense variant.
Genome position (GRCh38, 1-based): chr9:136,523,942, G>T on the plus strand (C>A on the coding strand, the complement: NOTCH1 is on the minus strand). VCF-style: chr9-136523942-G-T. GRCh37 (hg19) VCF-style: chr9-139418394-G-T.
Other names: c.178C>A (NM_017617.3); short protein forms P60T.
Identifiers: ClinVar variation 2739930 (VCV002739930.4), dbSNP rs755775484, ClinGen allele CA5342234.